The following is an entry in ClinVar:

NM_004218.4(RAB11B):c.15C>G (p.Asp5Glu)

Genes: RAB11B (RAB11B, member RAS oncogene family; plus strand), RAB11B-AS1 (RAB11B antisense RNA 1; minus strand). Cytogenetic location: 19p13.2.
Variant type: single nucleotide variant.
Coding change: c.15C>G on transcript NM_004218.4 (MANE Select); coding-DNA position 15, C replaced by G.
Protein change: p.Asp5Glu; replaces aspartic acid 5 with glutamic acid.
Molecular consequence: missense variant. On other transcripts: non-coding transcript variant (1).
Genome position (GRCh38, 1-based): chr19:8,390,431, C>G. VCF-style: chr19-8390431-C-G. GRCh37 (hg19) VCF-style: chr19-8455315-C-G.
Other names: c.15C>G (NM_004218.3); short protein forms D5E.
Identifiers: ClinVar variation 1386266 (VCV001386266.7), dbSNP rs763624059, ClinGen allele CA9156257.

ClinVar aggregate classification (germline): Uncertain significance. Review status: criteria provided, multiple submitters, no conflicts (2 of 4 stars). 2 submissions from 2 submitters: Uncertain significance (2). Last evaluated 2025-04-20.

Conditions:
Inborn genetic diseases. Identifiers: MedGen C0950123, MeSH D030342.

Allele frequency attached by ClinVar (database versions not stated): ExAC 0.00002; TOPMed 0.00002; gnomAD 0.00001; gnomAD exomes 0.00001.
gnomAD v4.1: 5 of 1,522,276 alleles (0.00033%); highest among the groups gnomAD compares: Middle Eastern, 0.017%; no homozygotes.

Submissions (2):

Labcorp Genetics (formerly Invitae), Labcorp
Classification: Uncertain significance. Last evaluated: 2025-04-20. Review status: criteria provided, single submitter. Criteria: Invitae Variant Classification Sherloc (09022015). Collection method: clinical testing. Allele origin: germline.
Comment: This sequence change replaces aspartic acid, which is acidic and polar, with glutamic acid, which is acidic and polar, at codon 5 of the RAB11B protein (p.Asp5Glu). The frequency data for this variant in the population databases is considered unreliable, as metrics indicate poor data quality at this position in the gnomAD database. This variant has not been reported in the literature in individuals affected with RAB11B-related conditions. ClinVar contains an entry for this variant (Variation ID: 1386266). An algorithm developed to predict the effect of missense changes on protein structure and function (PolyPhen-2) suggests that this variant is likely to be tolerated. In summary, the available evidence is currently insufficient to determine the role of this variant in disease. Therefore, it has been classified as a Variant of Uncertain Significance.

Ambry Genetics
Classification: Uncertain significance for Inborn genetic diseases. Last evaluated: 2025-01-27. Review status: criteria provided, single submitter. Criteria: Ambry Variant Classification Scheme 2023. Collection method: clinical testing. Allele origin: germline.